The following is an entry in ClinVar:

ClinVar aggregate classification (germline): Uncertain significance (1 of 4 stars; one submission).

Conditions:
Dihydropteridine reductase deficiency (HPABH4C). Also called: DHPR DEFICIENCY; BH4-Deficient Hyperphenylalaninemia C; Hyperphenylalaninemia due to dihydropteridine reductase deficiency; Hyperphenylalaninemia, BH-4-deficient, C; Phenylketonuria type 2; HYPERPHENYLALANINEMIA, TETRAHYDROBIOPTERIN-DEFICIENT, DUE TO DHPR DEFICIENCY. Identifiers: Orphanet 226, Orphanet 238583, MedGen C0268465, MONDO:0009862, OMIM 261630.

Submission:

Labcorp Genetics (formerly Invitae), Labcorp
Classification: Uncertain significance for Dihydropteridine reductase deficiency. Last evaluated: 2024-05-15. Review status: criteria provided, single submitter. Criteria: Invitae Variant Classification Sherloc (09022015). Collection method: clinical testing. Allele origin: germline.
Comment: This sequence change replaces alanine, which is neutral and non-polar, with serine, which is neutral and polar, at codon 64 of the QDPR protein (p.Ala64Ser). This variant is not present in population databases (gnomAD no frequency). This variant has not been reported in the literature in individuals affected with QDPR-related conditions. ClinVar contains an entry for this variant (Variation ID: 1445275). An algorithm developed to predict the effect of missense changes on protein structure and function (PolyPhen-2) suggests that this variant is likely to be disruptive. In summary, the available evidence is currently insufficient to determine the role of this variant in disease. Therefore, it has been classified as a Variant of Uncertain Significance.

NM_000320.3(QDPR):c.190G>T (p.Ala64Ser)

Gene: QDPR (quinoid dihydropteridine reductase; minus strand). Cytogenetic location: 4p15.32.
Variant type: single nucleotide variant.
Coding change: c.190G>T on transcript NM_000320.3 (MANE Select); coding-DNA position 190, G replaced by T.
Protein change: p.Ala64Ser; replaces alanine 64 with serine.
Molecular consequence: missense variant. On other transcripts: non-coding transcript variant (1), intron variant (1).
Genome position (GRCh38, 1-based): chr4:17,509,279, C>A on the plus strand (G>T on the coding strand, the complement: QDPR is on the minus strand). VCF-style: chr4-17509279-C-A. GRCh37 (hg19) VCF-style: chr4-17510902-C-A.
Other names: c.105+2671G>T (NM_001306140.2); short protein forms A64S.
Identifiers: ClinVar variation 1445275 (VCV001445275.7), dbSNP rs1480794443, ClinGen allele CA356452821.